The following is an entry in ClinVar:

NM_001165963.4(SCN1A):c.3835del (p.Tyr1279fs)

Genes: SCN1A (sodium voltage-gated channel alpha subunit 1; minus strand), LOC102724058 (uncharacterized LOC102724058; plus strand). Cytogenetic location: 2q24.3.
Variant type: Deletion.
Coding change: c.3835del on transcript NM_001165963.4 (MANE Select); coding-DNA position 3835, one base deleted (T; older notation c.3835delT).
Protein change: p.Tyr1279fs; shifts the reading frame from tyrosine 1279.
Molecular consequence: frameshift variant. On other transcripts: non-coding transcript variant (1).
Genome position (GRCh38, 1-based): chr2:166,012,153, A deleted on the plus strand (T on the coding strand, the reverse complement: SCN1A is on the minus strand). VCF-style (leftmost placement, unchanged base first): chr2-166012152-TA-T. GRCh37 (hg19) VCF-style: chr2-166868662-TA-T.
Other names: c.3751del, p.Tyr1251fs (NM_001165964.3, NM_001353957.2, NM_001353958.2); c.3835del, p.Tyr1279fs (NM_001202435.3, NM_001353948.2); c.3802del, p.Tyr1268fs (NM_001353949.2, NM_001353950.2, NM_001353951.2 and 2 more transcripts); c.3799del, p.Tyr1267fs (NM_001353954.2, NM_001353955.2); c.3748del, p.Tyr1250fs (NM_001353960.2); c.1393del, p.Tyr465fs (NM_001353961.2); short protein forms Y1279fs, Y1268fs, Y465fs, Y1250fs, Y1267fs, Y1251fs.
Identifiers: ClinVar variation 817374 (VCV000817374.1), dbSNP rs1574051206, ClinGen allele CA915942879.

ClinVar aggregate classification (germline): Pathogenic (1 of 4 stars; one submission).

Submission:

GeneDx
Classification: Pathogenic. Last evaluated: 2019-01-16. Review status: criteria provided, single submitter. Criteria: GeneDx Variant Classification (06012015). Collection method: clinical testing. Allele origin: germline. Affected: yes.
Comment: The c.3835delT pathogenic variant in the SCN1A gene causes a frameshift starting with codon Tyrosine 1279, changes this amino acid to an Isoleucine residue and creates a premature Stop codon at position 12 of the new reading frame, denoted p.Tyr1279IlefsX12. This pathogenic variant is predicted to cause loss of normal protein function either through protein truncation or nonsense-mediated mRNA decay. The c.3835delT variant is not observed in large population cohorts (Lek et al., 2016).